The following is an entry in ClinVar:

ClinVar aggregate classification (germline): Likely benign (1 of 4 stars; one submission).

Submission:

GeneDx
Classification: Likely benign. Last evaluated: 2018-06-06. Review status: criteria provided, single submitter. Criteria: GeneDx Variant Classification (06012015). Collection method: clinical testing. Allele origin: germline. Affected: yes.
Comment: This variant is considered likely benign or benign based on one or more of the following criteria: it is a conservative change, it occurs at a poorly conserved position in the protein, it is predicted to be benign by multiple in silico algorithms, and/or has population frequency not consistent with disease.

NM_005045.4(RELN):c.2877C>G (p.Thr959=)

Gene: RELN (reelin; minus strand). Cytogenetic location: 7q22.1.
Variant type: single nucleotide variant.
Coding change: c.2877C>G on transcript NM_005045.4 (MANE Select); coding-DNA position 2877, C replaced by G.
Protein change: p.Thr959=; no amino-acid change (threonine 959 retained).
Molecular consequence: synonymous variant.
Genome position (GRCh38, 1-based): chr7:103,611,629, G>C on the plus strand (C>G on the coding strand, the complement: RELN is on the minus strand). VCF-style: chr7-103611629-G-C. GRCh37 (hg19) VCF-style: chr7-103252076-G-C.
Other names: c.2877C>G, p.Thr959= (NM_173054.3).
Identifiers: ClinVar variation 669038 (VCV000669038.1), dbSNP rs1584343508, ClinGen allele CA457024433.